The following is an entry in ClinVar:

NM_171998.4(RAB39B):c.46G>A (p.Asp16Asn)

Gene: RAB39B (RAB39B, member RAS oncogene family; minus strand). Cytogenetic location: Xq28.
Variant type: single nucleotide variant.
Coding change: c.46G>A on transcript NM_171998.4 (MANE Select); coding-DNA position 46, G replaced by A.
Protein change: p.Asp16Asn; replaces aspartic acid 16 with asparagine.
Molecular consequence: missense variant.
Genome position (GRCh38, 1-based): chrX:155,264,243, C>T on the plus strand (G>A on the coding strand, the complement: RAB39B is on the minus strand). VCF-style: chrX-155264243-C-T. GRCh37 (hg19) VCF-style: chrX-154493528-C-T.
Other names: short protein forms D16N.
Identifiers: ClinVar variation 4874609 (VCV004874609.2).

ClinVar aggregate classification (germline): Uncertain significance (1 of 4 stars; one submission).

Submission:

CeGaT Center for Human Genetics Tuebingen
Classification: Uncertain significance. Last evaluated: 2026-06-01. Review status: criteria provided, single submitter. Criteria: CeGaT Center For Human Genetics Tuebingen Variant Classification Criteria Version 2. Collection method: clinical testing. Allele origin: germline. Affected: yes. Observed: 2 variant alleles.
Comment: RAB39B: PM2, PP3